The following is an entry in ClinVar:

NM_020163.3(SEMA3G):c.2148C>T (p.Phe716=)

Gene: SEMA3G (semaphorin 3G; minus strand). Cytogenetic location: 3p21.1.
Variant type: single nucleotide variant.
Coding change: c.2148C>T on transcript NM_020163.3 (MANE Select); coding-DNA position 2148, C replaced by T.
Protein change: p.Phe716=; no amino-acid change (phenylalanine 716 retained).
Molecular consequence: synonymous variant.
Genome position (GRCh38, 1-based): chr3:52,435,804, G>A on the plus strand (C>T on the coding strand, the complement: SEMA3G is on the minus strand). VCF-style: chr3-52435804-G-A. GRCh37 (hg19) VCF-style: chr3-52469820-G-A.
Identifiers: ClinVar variation 3061673 (VCV003061673.2), dbSNP rs752569651, ClinGen allele CA2437711.

ClinVar aggregate classification (germline): Likely benign (0 of 4 stars; one submission).

Conditions:
SEMA3G-related disorder. Also called: SEMA3G-related condition.

Allele frequency attached by ClinVar (database versions not stated): ExAC 0.00001; gnomAD 0.00001; gnomAD exomes 0.00001; TOPMed 0.00002.
gnomAD v4.1: 23 of 1,613,950 alleles (0.0014%); highest among the groups gnomAD compares: East Asian, 0.0022%; no homozygotes.

Submission:

PreventionGenetics, part of Exact Sciences
Classification: Likely benign for SEMA3G-related condition. Last evaluated: 2022-11-22. Review status: no assertion criteria provided. Collection method: clinical testing. Allele origin: germline.
Comment: This variant is classified as likely benign based on ACMG/AMP sequence variant interpretation guidelines (Richards et al. 2015 PMID: 25741868, with internal and published modifications).